The following is an entry in ClinVar:

ClinVar aggregate classification (germline): Pathogenic. Review status: criteria provided, multiple submitters, no conflicts (2 of 4 stars). 3 submissions from 3 submitters: Pathogenic (3). Last evaluated 2024-11-27.

Conditions:
Myopathy, proximal, and ophthalmoplegia (CMYO6). Also called: INCLUSION BODY MYOPATHY 3, AUTOSOMAL DOMINANT; MYOPATHY WITH CONGENITAL JOINT CONTRACTURES, OPHTHALMOPLEGIA, AND RIMMED VACUOLES; CONGENITAL MYOPATHY 6 WITH OPHTHALMOPLEGIA. Identifiers: Orphanet 363677, Orphanet 79091, MedGen C1854106, MONDO:0011577, OMIM 605637.

Allele frequency attached by ClinVar (database versions not stated): ExAC 0.00001; gnomAD 0.00001; gnomAD exomes 0.00002 and 0.00003; TOPMed 0.00003.
gnomAD v4.1: 41 of 1,614,018 alleles (0.0025%); highest among the groups gnomAD compares: Admixed American, 0.0033%; no homozygotes.

Submissions (3):

Labcorp Genetics (formerly Invitae), Labcorp
Classification: Pathogenic for Myopathy, proximal, and ophthalmoplegia. Last evaluated: 2024-11-27. Review status: criteria provided, single submitter. Criteria: Invitae Variant Classification Sherloc (09022015). Collection method: clinical testing. Allele origin: germline.
Comment: This sequence change creates a premature translational stop signal (p.Arg18*) in the MYH2 gene. It is expected to result in an absent or disrupted protein product. Loss-of-function variants in MYH2 are known to be pathogenic (PMID: 20418530, 23388406, 24193343). This variant is present in population databases (rs769712128, gnomAD 0.003%). This variant has not been reported in the literature in individuals affected with MYH2-related conditions. ClinVar contains an entry for this variant (Variation ID: 1451903). For these reasons, this variant has been classified as Pathogenic.

Revvity Omics, Revvity
Classification: Pathogenic for Myopathy, proximal, and ophthalmoplegia. Last evaluated: 2024-02-23. Review status: criteria provided, single submitter. Criteria: ACMG Guidelines, 2015. Collection method: clinical testing. Allele origin: germline.

Juno Genomics, Hangzhou Juno Genomics, Inc
Classification: Pathogenic for Myopathy, proximal, and ophthalmoplegia. Review status: criteria provided, single submitter. Criteria: ACMG Guidelines, 2015. Collection method: clinical testing. Allele origin: germline.
Comment: Absent from controls (or at extremely low frequency if recessive) in Genome Aggregation Database.;Null variant in a gene where loss of function (LOF) is a known mechanism of disease.;For recessive disorders, detected in trans with a pathogenic variant.

Literature cited by the submitters: PubMed 20418530 (cited by Labcorp Genetics (formerly Invitae), Labcorp); PubMed 23388406 (cited by Labcorp Genetics (formerly Invitae), Labcorp); PubMed 24193343 (cited by Labcorp Genetics (formerly Invitae), Labcorp).

NM_017534.6(MYH2):c.52C>T (p.Arg18Ter)

Genes: MYH2 (myosin heavy chain 2; minus strand), MYHAS (myosin heavy chain gene cluster antisense RNA; plus strand). Cytogenetic location: 17p13.1.
Variant type: single nucleotide variant.
Coding change: c.52C>T on transcript NM_017534.6 (MANE Select); coding-DNA position 52, C replaced by T.
Protein change: p.Arg18Ter; replaces arginine 18 with a stop codon.
Molecular consequence: nonsense.
Genome position (GRCh38, 1-based): chr17:10,547,869, G>A on the plus strand (C>T on the coding strand, the complement: MYH2 is on the minus strand). VCF-style: chr17-10547869-G-A. GRCh37 (hg19) VCF-style: chr17-10451186-G-A.
Other names: c.52C>T, p.Arg18Ter (NM_001100112.2); c.52C>T (NM_017534.5); short protein forms R18*.
Identifiers: ClinVar variation 1451903 (VCV001451903.10), dbSNP rs769712128, ClinGen allele CA8391744.
Genomic context (GRCh38, chr17:10,547,869, plus strand): 5'-CAGATGTTTTGGCATCAAAGGGCCTATTCTGGGCCTCAATGCGCTCCCTTTCAGACTTTC[G>A]GAGGAAAGGAGCAGCCTCCCCAAAAACAGCCAATTCTGAGTCTGAACTCATGGCTGCTGA-3'